The following is an entry in ClinVar:

ClinVar aggregate classification (germline): Benign. Review status: criteria provided, multiple submitters, no conflicts (2 of 4 stars). 2 submissions from 2 submitters: Benign (2). Last evaluated 2024-02-19.

Conditions:
Hereditary cancer-predisposing syndrome. Also called: Tumor predisposition; Neoplastic Syndromes, Hereditary; Hereditary neoplastic syndrome; Hereditary Cancer Syndrome. Identifiers: Orphanet 140162, MedGen C0027672, MeSH D009386, MONDO:0015356.

Submissions (2):

Labcorp Genetics (formerly Invitae), Labcorp
Classification: Benign for Hereditary cancer-predisposing syndrome. Last evaluated: 2024-02-19. Review status: criteria provided, single submitter. Criteria: Invitae Variant Classification Sherloc (09022015). Collection method: clinical testing. Allele origin: germline.

Women's Health and Genetics/Laboratory Corporation of America, LabCorp
Classification: Benign. Last evaluated: 2016-05-24. Review status: criteria provided, single submitter. Criteria: LabCorp Variant Classification Summary - May 2015. Collection method: clinical testing. Allele origin: germline.
Comment: Variant summary: The RAD50 c.1636-9delT variant involves the alteration of a non-conserved intronic nucleotide. One in silico tool predicts a benign outcome for this variant. 3/5 splice prediction tools predict no significant impact on normal splicing. However, these predictions have yet to be confirmed by functional studies. This variant was found in 1862/79398 control chromosomes at a frequency of 0.0234515, which is approximately 375 times the estimated maximal expected allele frequency of a pathogenic RAD50 variant (0.0000625), suggesting this variant is likely a benign polymorphism. Taken together, this variant is classified as benign.

NM_005732.4(RAD50):c.1636-9del

Gene: RAD50 (RAD50 double strand break repair protein; plus strand). Cytogenetic location: 5q31.1.
Variant type: Deletion.
Coding change: c.1636-9del on transcript NM_005732.4 (MANE Select); 9 bases into the intron before coding-DNA position 1636, one base deleted (T; older notation c.1636-9delT).
Molecular consequence: intron variant.
Genome position (GRCh38, 1-based): chr5:132,591,868, T deleted; the last of 10 consecutive T bases (chr5:132,591,859-132,591,868); deleting any one gives the same sequence. VCF-style (leftmost placement, unchanged base first): chr5-132591858-AT-A. GRCh37 (hg19) VCF-style: chr5-131927550-AT-A.
Other names: c.1636-9delT (NM_005732.3).
Identifiers: ClinVar variation 496309 (VCV000496309.9), dbSNP rs762814289, ClinGen allele CA3405221.